The following is an entry in ClinVar:

NM_001943.5(DSG2):c.613C>T (p.Pro205Ser)

Gene: DSG2 (desmoglein 2; plus strand). Cytogenetic location: 18q12.1.
Variant type: single nucleotide variant.
Coding change: c.613C>T on transcript NM_001943.5 (MANE Select); coding-DNA position 613, C replaced by T.
Protein change: p.Pro205Ser; replaces proline 205 with serine.
Molecular consequence: missense variant.
Genome position (GRCh38, 1-based): chr18:31,522,172, C>T. VCF-style: chr18-31522172-C-T. GRCh37 (hg19) VCF-style: chr18-29102135-C-T.
Other names: c.613C>T (LRG_397t1); short protein forms P205S.
Identifiers: ClinVar variation 423983 (VCV000423983.15), dbSNP rs200946320, ClinGen allele CA049533.

ClinVar aggregate classification (germline): Uncertain significance. Review status: criteria provided, multiple submitters, no conflicts (2 of 4 stars). 5 submissions from 5 submitters: Uncertain significance (5). Last evaluated 2026-01-06.

Conditions:
Cardiovascular phenotype. Identifiers: MedGen CN230736.
Arrhythmogenic right ventricular dysplasia 10. Also called: Arrhythmogenic right ventricular dysplasia/cardiomyopathy, type 10; Arrhythmogenic Right Ventricular Dysplasia/Cardiomyopathy10; ARRHYTHMOGENIC RIGHT VENTRICULAR DYSPLASIA, FAMILIAL, 10. Identifiers: MedGen C1857777, MONDO:0012434, OMIM 610193.
Dilated cardiomyopathy 1BB (CMD1BB). Also called: CARDIOMYOPATHY, DILATED, 1BB, SUSCEPTIBILITY TO. Identifiers: Orphanet 154, MedGen C2752072, MONDO:0013030, OMIM 612877.
Arrhythmogenic right ventricular cardiomyopathy (ARVD). Also called: Cardiomyopathy, ARVC; Arrhythmogenic right ventricular dysplasia; Arrhythmogenic cardiomyopathy; Arrhythmogenic Right Ventricular Cardiomyopathy (ARVC). Identifiers: Orphanet 247, MedGen C0349788, MeSH D019571, MONDO:0016587. Disease mechanism: loss of function. Inheritance: Various modes of inheritance.

Allele frequency attached by ClinVar (database versions not stated): gnomAD 0.00001; gnomAD exomes 0.00001; TOPMed 0.00001; 1000 Genomes Project 30x 0.00016; 1000 Genomes Project 0.00020; ExAC 0.00001.
gnomAD v4.1: 17 of 1,613,070 alleles (0.0011%); highest among the groups gnomAD compares: African/African-American, 0.0067%; no homozygotes.

Submissions (5):

Labcorp Genetics (formerly Invitae), Labcorp
Classification: Uncertain significance for Arrhythmogenic right ventricular dysplasia 10. Last evaluated: 2026-01-06. Review status: criteria provided, single submitter. Criteria: Invitae Variant Classification Sherloc (09022015). Collection method: clinical testing. Allele origin: germline.
Comment: This sequence change replaces proline, which is neutral and non-polar, with serine, which is neutral and polar, at codon 205 of the DSG2 protein (p.Pro205Ser). This variant is present in population databases (rs200946320, gnomAD 0.01%). This variant has not been reported in the literature in individuals affected with DSG2-related conditions. ClinVar contains an entry for this variant (Variation ID: 423983). Invitae Evidence Modeling of protein sequence and biophysical properties (such as structural, functional, and spatial information, amino acid conservation, physicochemical variation, residue mobility, and thermodynamic stability) indicates that this missense variant is not expected to disrupt DSG2 protein function with a negative predictive value of 95%. In summary, the available evidence is currently insufficient to determine the role of this variant in disease. Therefore, it has been classified as a Variant of Uncertain Significance.

Ambry Genetics
Classification: Uncertain significance for Cardiovascular phenotype. Last evaluated: 2024-11-05. Review status: criteria provided, single submitter. Criteria: Ambry Variant Classification Scheme 2023. Collection method: clinical testing. Allele origin: germline.
Comment: The p.P205S variant (also known as c.613C>T), located in coding exon 6 of the DSG2 gene, results from a C to T substitution at nucleotide position 613. The proline at codon 205 is replaced by serine, an amino acid with similar properties. This amino acid position is conserved. In addition, this alteration is predicted to be tolerated by in silico analysis. Since supporting evidence is limited at this time, the clinical significance of this alteration remains unclear.

All of Us Research Program, National Institutes of Health
Classification: Uncertain significance for Arrhythmogenic right ventricular cardiomyopathy. Last evaluated: 2024-02-05. Review status: criteria provided, single submitter. Criteria: ACMG Guidelines, 2015. Collection method: clinical testing. Allele origin: germline. Inheritance: Autosomal dominant inheritance. Observed: 3 variant alleles, 3 heterozygotes.
Comment: This missense variant replaces proline with serine at codon 205 of the DSG2 protein. Computational prediction suggests that this variant may not impact protein structure and function (internally defined REVEL score threshold <= 0.5, PMID: 27666373). To our knowledge, functional studies have not been reported for this variant. This variant has not been reported in individuals affected with DSG2-related disorders in the literature. This variant has been identified in 2/249408 chromosomes in the general population by the Genome Aggregation Database (gnomAD). The available evidence is insufficient to determine the role of this variant in disease conclusively. Therefore, this variant is classified as a Variant of Uncertain Significance.

This study involves interpretation of variants in research participants for the purpose of population health screening. Participant phenotype was not available at the time of variant classification. Additional details can be found in publication PMID: 35346344, PMCID: PMC8962531

GeneDx
Classification: Uncertain significance. Last evaluated: 2023-02-06. Review status: criteria provided, single submitter. Criteria: GeneDx Variant Classification Process June 2021. Collection method: clinical testing. Allele origin: germline. Affected: yes.
Comment: Has not been previously published as pathogenic or benign to our knowledge; Not observed at significant frequency in large population cohorts (gnomAD); In silico analysis supports that this missense variant has a deleterious effect on protein structure/function

Fulgent Genetics
Classification: Uncertain significance for Arrhythmogenic right ventricular dysplasia 10; Dilated cardiomyopathy 1BB. Last evaluated: 2021-10-16. Review status: criteria provided, single submitter. Criteria: ACMG Guidelines, 2015. Collection method: clinical testing. Allele origin: unknown.